The following is an entry in ClinVar:

ClinVar aggregate classification (germline): Uncertain significance (1 of 4 stars; one submission).

Allele frequency attached by ClinVar (database versions not stated): TOPMed below 0.00001; gnomAD 0.00001.
gnomAD v4.1: 4 of 1,613,990 alleles (0.00025%); highest among the groups gnomAD compares: Admixed American, 0.0033%; no homozygotes.

Submission:

Labcorp Genetics (formerly Invitae), Labcorp
Classification: Uncertain significance. Last evaluated: 2022-04-23. Review status: criteria provided, single submitter. Criteria: Invitae Variant Classification Sherloc (09022015). Collection method: clinical testing. Allele origin: germline.
Comment: Algorithms developed to predict the effect of missense changes on protein structure and function are either unavailable or do not agree on the potential impact of this missense change (SIFT: "Deleterious"; PolyPhen-2: "Benign"; Align-GVGD: "Class C0"). In summary, the available evidence is currently insufficient to determine the role of this variant in disease. Therefore, it has been classified as a Variant of Uncertain Significance. This variant has not been reported in the literature in individuals affected with SPEG-related conditions. This sequence change replaces valine, which is neutral and non-polar, with phenylalanine, which is neutral and non-polar, at codon 2891 of the SPEG protein (p.Val2891Phe). This variant is present in population databases (no rsID available, gnomAD 0.003%).

NM_005876.5(SPEG):c.8671G>T (p.Val2891Phe)

Genes: ASIC4-AS1 (ASIC4 antisense RNA 1; minus strand), SPEG (striated muscle enriched protein kinase; plus strand). Cytogenetic location: 2q35.
Variant type: single nucleotide variant.
Coding change: c.8671G>T on transcript NM_005876.5 (MANE Select); coding-DNA position 8671, G replaced by T.
Protein change: p.Val2891Phe; replaces valine 2891 with phenylalanine.
Molecular consequence: missense variant.
Genome position (GRCh38, 1-based): chr2:219,489,689, G>T. VCF-style: chr2-219489689-G-T. GRCh37 (hg19) VCF-style: chr2-220354411-G-T.
Other names: short protein forms V2891F.
Identifiers: ClinVar variation 2113928 (VCV002113928.4), dbSNP rs778328963, ClinGen allele CA350711787.